The following is an entry in ClinVar:

NM_201384.3(PLEC):c.6770G>A (p.Arg2257His)

Gene: PLEC (plectin; minus strand). Cytogenetic location: 8q24.3.
Variant type: single nucleotide variant.
Coding change: c.6770G>A on transcript NM_201384.3 (MANE Select); coding-DNA position 6770, G replaced by A.
Protein change: p.Arg2257His; replaces arginine 2257 with histidine.
Molecular consequence: missense variant.
Genome position (GRCh38, 1-based): chr8:143,923,159, C>T on the plus strand (G>A on the coding strand, the complement: PLEC is on the minus strand). VCF-style: chr8-143923159-C-T. GRCh37 (hg19) VCF-style: chr8-144997327-C-T.
Other names: c.6851G>A, p.Arg2284His (NM_000445.5); c.6728G>A, p.Arg2243His (NM_201378.4); c.6704G>A, p.Arg2235His (NM_201379.3); c.7181G>A, p.Arg2394His (NM_201380.4); c.6674G>A, p.Arg2225His (NM_201381.3); c.6770G>A, p.Arg2257His (NM_201382.4); c.6782G>A, p.Arg2261His (NM_201383.3); short protein forms R2394H, R2235H, R2257H, R2225H, R2243H, R2261H, R2284H.
Identifiers: ClinVar variation 471635 (VCV000471635.14), dbSNP rs376311731, ClinGen allele CA4925868.

ClinVar aggregate classification (germline): Uncertain significance. Review status: criteria provided, multiple submitters, no conflicts (2 of 4 stars). 5 submissions from 5 submitters: Uncertain significance (5). Last evaluated 2026-08-01.

Conditions:
Epidermolysis bullosa simplex 5C, with pyloric atresia (EBS5C). Also called: PLEC-Related Epidermolysis Bullosa with Pyloric Atresia; PLEC1-Related Epidermolysis Bullosa with Pyloric Atresia; Epidermolysis bullosa simplex with pyloric atresia. Identifiers: Orphanet 158684, MedGen C2677349, MONDO:0012807, OMIM 612138.
Autosomal recessive limb-girdle muscular dystrophy type 2Q (LGMDR17). Also called: MUSCULAR DYSTROPHY, LIMB-GIRDLE, AUTOSOMAL RECESSIVE 17. Identifiers: Orphanet 254361, MedGen C3150989, MONDO:0013390, OMIM 613723.
Epidermolysis bullosa simplex with nail dystrophy (EBS5D). Identifiers: MedGen C4225309, MONDO:0014661, OMIM 616487.
Epidermolysis bullosa simplex, Ogna type (EBS5A). Also called: Pidermolysis bullosa simplex 5A, Ogna type; EPIDERMOLYSIS BULLOSA SIMPLEX 5A, OGNA TYPE. Identifiers: Orphanet 79401, MedGen C0432317, MONDO:0007555, OMIM 131950.
Epidermolysis bullosa simplex 5B, with muscular dystrophy (EBS5B). Also called: EPIDERMOLYSIS BULLOSA SIMPLEX AND LIMB-GIRDLE MUSCULAR DYSTROPHY; Epidermolysis bullosa simplex with muscular dystrophy. Identifiers: Orphanet 257, MedGen C2931072, MONDO:0009181, OMIM 226670.

Allele frequency attached by ClinVar (database versions not stated): gnomAD exomes 0.00004 and 0.00007; ExAC 0.00006; ESP Exome Variant Server 0.00008; TOPMed 0.00008; gnomAD 0.00009 and 0.00010.
gnomAD v4.1: 68 of 1,602,672 alleles (0.0042%); highest among the groups gnomAD compares: Admixed American, 0.032%; no homozygotes.

Submissions (5):

CeGaT Center for Human Genetics Tuebingen
Classification: Uncertain significance. Last evaluated: 2026-08-01. Review status: criteria provided, single submitter. Criteria: CeGaT Center For Human Genetics Tuebingen Variant Classification Criteria Version 2. Collection method: clinical testing. Allele origin: germline. Affected: yes. Observed: 1 variant allele.
Comment: PLEC: PM2

Women's Health and Genetics/Laboratory Corporation of America, LabCorp
Classification: Uncertain significance. Last evaluated: 2026-05-27. Review status: criteria provided, single submitter. Criteria: LabCorp Variant Classification Summary - May 2015. Collection method: clinical testing. Allele origin: germline.
Comment: Variant summary: PLEC c.6851G>A (p.Arg2284His) results in a non-conservative amino acid change in the encoded protein sequence. Algorithms developed to predict the effect of missense changes on protein structure and function are either unavailable or do not agree on the potential impact of this missense change. The variant allele was found at a frequency of 6.6e-05 in 241296 control chromosomes. This frequency is not significantly higher than estimated for disease-causing variants in PLEC, allowing no conclusion about variant significance. c.6851G>A has been observed in an individual affected with Esophageal atresia with or without tracheoesophageal fistula without strong evidence of causality (Zhang_2020). These report(s) do not provide unequivocal conclusions about association of the variant with disease. To our knowledge, no experimental evidence demonstrating an impact on protein function has been reported. The following publication have been ascertained in the context of this evaluation (PMID: 32502225). ClinVar contains an entry for this variant (Variation ID: 471635). Based on the evidence outlined above, the variant was classified as uncertain significance.

Labcorp Genetics (formerly Invitae), Labcorp
Classification: Uncertain significance for Autosomal recessive limb-girdle muscular dystrophy type 2Q; Epidermolysis bullosa simplex, Ogna type; Epidermolysis bullosa simplex with nail dystrophy; Epidermolysis bullosa simplex 5C, with pyloric atresia; Epidermolysis bullosa simplex 5B, with muscular dystrophy. Last evaluated: 2025-08-12. Review status: criteria provided, single submitter. Criteria: Invitae Variant Classification Sherloc (09022015). Collection method: clinical testing. Allele origin: germline.
Comment: This sequence change replaces arginine, which is basic and polar, with histidine, which is basic and polar, at codon 2284 of the PLEC protein (p.Arg2284His). This variant is present in population databases (rs376311731, gnomAD 0.01%). This variant has not been reported in the literature in individuals affected with PLEC-related conditions. ClinVar contains an entry for this variant (Variation ID: 471635). An algorithm developed to predict the effect of missense changes on protein structure and function (PolyPhen-2) suggests that this variant is likely to be disruptive. In summary, the available evidence is currently insufficient to determine the role of this variant in disease. Therefore, it has been classified as a Variant of Uncertain Significance.

Blueprint Genetics
Classification: Uncertain significance. Last evaluated: 2024-10-01. Review status: criteria provided, single submitter. Criteria: ACMG Guidelines, 2015. Collection method: clinical testing. Allele origin: germline.

Eurofins Ntd Llc (ga)
Classification: Uncertain significance. Last evaluated: 2018-04-25. Review status: criteria provided, single submitter. Criteria: EGL ClinVar v180209 classification definitions. Collection method: clinical testing. Allele origin: germline. Observed: 2 variant alleles, 2 heterozygotes.

Literature cited by the submitters: PubMed 32502225 (cited by Women's Health and Genetics/Laboratory Corporation of America, LabCorp).